The following is an entry in ClinVar:

NM_003476.5(CSRP3):c.415-2A>C

Gene: CSRP3 (cysteine and glycine rich protein 3; minus strand). Cytogenetic location: 11p15.1.
Variant type: single nucleotide variant.
Coding change: c.415-2A>C on transcript NM_003476.5 (MANE Select); the canonical splice acceptor site of the intron before coding-DNA position 415, A replaced by C.
Molecular consequence: splice acceptor variant.
Genome position (GRCh38, 1-based): chr11:19,185,047, T>G on the plus strand (A>C on the coding strand, the complement: CSRP3 is on the minus strand). VCF-style: chr11-19185047-T-G. GRCh37 (hg19) VCF-style: chr11-19206594-T-G.
Other names: c.246-2A>C (NM_001369404.1).
Identifiers: ClinVar variation 1738272 (VCV001738272.9), dbSNP rs1850502742, ClinGen allele CA379887817.

ClinVar aggregate classification (germline): Conflicting classifications of pathogenicity. Review status: criteria provided, conflicting classifications (1 of 4 stars). 3 submissions from 3 submitters: Likely pathogenic (2); Uncertain significance (1). Last evaluated 2025-06-24.

Conditions:
Hypertrophic cardiomyopathy 12. Identifiers: MedGen C2677491, MONDO:0012804, OMIM 612124.
Dilated cardiomyopathy 1M (CMD1M). Identifiers: Orphanet 154, MedGen C1843808, MONDO:0011840, OMIM 607482.
Cardiovascular phenotype. Identifiers: MedGen CN230736.

Submissions (3):

Ambry Genetics
Classification: Uncertain significance for Cardiovascular phenotype. Last evaluated: 2025-06-24. Review status: criteria provided, single submitter. Criteria: Ambry Variant Classification Scheme 2023. Collection method: clinical testing. Allele origin: germline.
Comment: The c.415-2A>C intronic variant results from an A to C substitution two nucleotides upstream from coding exon 4 in the CSRP3 gene. Alterations that disrupt the canonical splice site are expected to result in aberrant splicing. In silico splice site analysis predicts that this alteration will weaken the native splice acceptor site and will result in the creation or strengthening of a novel splice acceptor site. A resulting transcript is predicted to be in-frame and is not expected to trigger nonsense-mediated mRNAdecay; although, direct evidence is unavailable. This nucleotide position is highly conserved in available vertebrate species. Based on the available evidence, the clinical significance of this variant remains unclear.

Labcorp Genetics (formerly Invitae), Labcorp
Classification: Likely pathogenic for Hypertrophic cardiomyopathy 12; Dilated cardiomyopathy 1M. Last evaluated: 2025-05-18. Review status: criteria provided, single submitter. Criteria: Invitae Variant Classification Sherloc (09022015). Collection method: clinical testing. Allele origin: germline.
Comment: This sequence change affects an acceptor splice site in intron 5 of the CSRP3 gene. It is expected to disrupt RNA splicing. Variants that disrupt the donor or acceptor splice site typically lead to a loss of protein function (PMID: 16199547), and loss-of-function variants in CSRP3 are known to be pathogenic (PMID: 12642359, 14567970, 16352453, 20087448, 34558151). This variant is not present in population databases (gnomAD no frequency). Disruption of this splice site has been observed in individual(s) with CSRP3-related conditions (PMID: 29544605, 34495297). ClinVar contains an entry for this variant (Variation ID: 1738272). Algorithms developed to predict the effect of sequence changes on RNA splicing suggest that this variant may disrupt the consensus splice site. In summary, the currently available evidence indicates that the variant is pathogenic, but additional data are needed to prove that conclusively. Therefore, this variant has been classified as Likely Pathogenic.

ARUP Laboratories, Molecular Genetics and Genomics, ARUP Laboratories
Classification: Likely pathogenic. Last evaluated: 2025-04-21. Review status: criteria provided, single submitter. Criteria: ARUP Molecular Germline Variant Investigation Process 2024. Collection method: clinical testing. Allele origin: germline.
Comment: The CSRP3 c.415-2A>C variant, to our knowledge, is not reported in the medical literature but is reported in ClinVar (Variation ID: 1738272). This variant is absent from the Genome Aggregation Database (v2.1.1), indicating it is not a common polymorphism. This variant disrupts the canonical splice acceptor site of intron 4, which is likely to negatively impact gene function. An alternative variant within the same splice acceptor site has been reported in an individual with early-onset atrial fibrillation and reported in an instance of sudden infant death (Tester 2018, Yoneda 2021). Based on available information, this variant is considered to be likely pathogenic. References: Tester DJ et al. Cardiac Genetic Predisposition in Sudden Infant Death Syndrome. J Am Coll Cardiol. 2018 Mar 20. PMID: 29544605. Yoneda ZT et al. Early-Onset Atrial Fibrillation and the Prevalence of Rare Variants in Cardiomyopathy and Arrhythmia Genes. JAMA Cardiol. 2021 Dec 1. PMID: 34495297.

Literature cited by the submitters: PubMed 16199547 (cited by Labcorp Genetics (formerly Invitae), Labcorp); PubMed 12642359 (cited by Labcorp Genetics (formerly Invitae), Labcorp); PubMed 14567970 (cited by Labcorp Genetics (formerly Invitae), Labcorp); PubMed 16352453 (cited by Labcorp Genetics (formerly Invitae), Labcorp); PubMed 20087448 (cited by Labcorp Genetics (formerly Invitae), Labcorp); PubMed 34558151 (cited by Labcorp Genetics (formerly Invitae), Labcorp); PubMed 29544605 (cited by Labcorp Genetics (formerly Invitae), Labcorp); PubMed 34495297 (cited by Labcorp Genetics (formerly Invitae), Labcorp).